The following is an entry in ClinVar:

NM_000516.7(GNAS):c.446A>G (p.His149Arg)

Gene: GNAS (GNAS complex locus; plus strand). Cytogenetic location: 20q13.32.
Variant type: single nucleotide variant.
Coding change: c.446A>G on transcript NM_000516.7 (MANE Select); coding-DNA position 446, A replaced by G.
Protein change: p.His149Arg; replaces histidine 149 with arginine.
Molecular consequence: missense variant. On other transcripts: 3 prime UTR variant (2).
Genome position (GRCh38, 1-based): chr20:58,905,396, A>G. VCF-style: chr20-58905396-A-G. GRCh37 (hg19) VCF-style: chr20-57480451-A-G.
Other names: c.446A>G (NM_000516.5, NM_000516.4); c.449A>G, p.His150Arg (NM_001077488.5); c.401A>G, p.His134Arg (NM_001077489.4); c.*307A>G (NM_001077490.3); c.269A>G, p.His90Arg (NM_001309840.2, NM_001309861.2); c.*352A>G (NM_016592.5); c.2375A>G, p.His792Arg (NM_080425.4); c.404A>G, p.His135Arg (NM_080426.4); short protein forms H134R, H135R, H149R, H150R, H792R, H90R.
Identifiers: ClinVar variation 1690650 (VCV001690650.8), dbSNP rs2146208770, ClinGen allele CA409451055.

ClinVar aggregate classification (germline): Conflicting classifications of pathogenicity. Review status: criteria provided, conflicting classifications (1 of 4 stars). 4 submissions from 4 submitters: Likely pathogenic (2); Uncertain significance (2). Last evaluated 2025-05-02.

Conditions:
Pseudohypoparathyroidism type I A (PHP1A). Also called: Pseudohypoparathyroidism type 1A; Pseudohypoparathyroidism Ia (PHP-Ia); Pseudohypoparathyroidism Type IA; PHP IA; ALBRIGHT HEREDITARY OSTEODYSTROPHY WITH MULTIPLE HORMONE RESISTANCE. Identifiers: Orphanet 79443, MedGen C3494506, MONDO:0007078, OMIM 103580.
GNAS-related disorder. Identifiers: MedGen CN380105.

Submissions (4):

GeneDx
Classification: Uncertain significance. Last evaluated: 2025-05-02. Review status: criteria provided, single submitter. Criteria: GeneDx Variant Classification Process June 2021. Collection method: clinical testing. Allele origin: germline.
Comment: Not observed at significant frequency in large population cohorts (gnomAD); In silico analysis supports that this missense variant has a deleterious effect on protein structure/function; Has not been previously published as pathogenic or benign to our knowledge

Labcorp Genetics (formerly Invitae), Labcorp
Classification: Uncertain significance. Last evaluated: 2024-05-16. Review status: criteria provided, single submitter. Criteria: Invitae Variant Classification Sherloc (09022015). Collection method: clinical testing. Allele origin: germline.
Comment: This sequence change replaces histidine, which is basic and polar, with arginine, which is basic and polar, at codon 149 of the GNAS protein (p.His149Arg). This variant is not present in population databases (gnomAD no frequency). This variant has not been reported in the literature in individuals affected with GNAS-related conditions. ClinVar contains an entry for this variant (Variation ID: 1690650). Advanced modeling of protein sequence and biophysical properties (such as structural, functional, and spatial information, amino acid conservation, physicochemical variation, residue mobility, and thermodynamic stability) performed at Invitae indicates that this missense variant is not expected to disrupt GNAS protein function with a negative predictive value of 80%. In summary, the available evidence is currently insufficient to determine the role of this variant in disease. Therefore, it has been classified as a Variant of Uncertain Significance.

PreventionGenetics, part of Exact Sciences
Classification: Likely pathogenic for GNAS-related condition. Last evaluated: 2023-08-01. Review status: criteria provided, single submitter. Criteria: ACMG Guidelines, 2015. Collection method: clinical testing. Allele origin: germline.
Comment: The GNAS c.446A>G variant is predicted to result in the amino acid substitution p.His149Arg. To our knowledge, this variant has not been reported in the literature or a large population database, indicating this variant is rare. At this time, the clinical significance of this variant is uncertain due to the absence of conclusive functional and genetic evidence.

Kasturba Medical College, Manipal, Kasturba Medical College, Manipal, Manipal Academy of Higher Education, Manipal, India
Classification: Likely pathogenic for Pseudohypoparathyroidism type I A. Last evaluated: 2022-03-06. Review status: criteria provided, single submitter. Criteria: ACMG Guidelines, 2015. Collection method: clinical testing. Allele origin: germline. Affected: yes.